The following is an entry in ClinVar:

ClinVar aggregate classification (germline): Uncertain significance (1 of 4 stars; one submission).

Conditions:
Bloom syndrome (BLM). Also called: Bloom-Torre-Machacek syndrome. Identifiers: Orphanet 125, MedGen C0005859, MONDO:0008876, OMIM 210900.

Submission:

Labcorp Genetics (formerly Invitae), Labcorp
Classification: Uncertain significance for Bloom syndrome. Last evaluated: 2025-04-01. Review status: criteria provided, single submitter. Criteria: Invitae Variant Classification Sherloc (09022015). Collection method: clinical testing. Allele origin: germline.
Comment: This sequence change replaces glycine, which is neutral and non-polar, with aspartic acid, which is acidic and polar, at codon 921 of the BLM protein (p.Gly921Asp). This variant is not present in population databases (gnomAD no frequency). This variant has not been reported in the literature in individuals affected with BLM-related conditions. Invitae Evidence Modeling of protein sequence and biophysical properties (such as structural, functional, and spatial information, amino acid conservation, physicochemical variation, residue mobility, and thermodynamic stability) indicates that this missense variant is expected to disrupt BLM protein function with a positive predictive value of 80%. In summary, the available evidence is currently insufficient to determine the role of this variant in disease. Therefore, it has been classified as a Variant of Uncertain Significance.

NM_000057.4(BLM):c.2762G>A (p.Gly921Asp)

Gene: BLM (BLM RecQ like helicase; plus strand). Cytogenetic location: 15q26.1.
Variant type: single nucleotide variant.
Coding change: c.2762G>A on transcript NM_000057.4 (MANE Select); coding-DNA position 2762, G replaced by A.
Protein change: p.Gly921Asp; replaces glycine 921 with aspartic acid.
Molecular consequence: missense variant.
Genome position (GRCh38, 1-based): chr15:90,785,020, G>A. VCF-style: chr15-90785020-G-A. GRCh37 (hg19) VCF-style: chr15-91328250-G-A.
Other names: c.2762G>A, p.Gly921Asp (NM_001287246.2, NM_001287247.2); c.1637G>A, p.Gly546Asp (NM_001287248.2); short protein forms G546D, G921D.
Identifiers: ClinVar variation 4696640 (VCV004696640.1).